The following is an entry in ClinVar:

NM_000057.4(BLM):c.2293G>A (p.Val765Ile)

Gene: BLM (BLM RecQ like helicase; plus strand). Cytogenetic location: 15q26.1.
Variant type: single nucleotide variant.
Coding change: c.2293G>A on transcript NM_000057.4 (MANE Select); coding-DNA position 2293, G replaced by A.
Protein change: p.Val765Ile; replaces valine 765 with isoleucine.
Molecular consequence: missense variant.
Genome position (GRCh38, 1-based): chr15:90,767,009, G>A. VCF-style: chr15-90767009-G-A. GRCh37 (hg19) VCF-style: chr15-91310239-G-A.
Other names: c.2293G>A, p.Val765Ile (NM_001287246.2, NM_001287247.2); c.1168G>A, p.Val390Ile (NM_001287248.2); c.2293G>A (LRG_20t1); short protein forms V765I, V390I.
Identifiers: ClinVar variation 454099 (VCV000454099.65), dbSNP rs191789336, ClinGen allele CA7738710.
Genomic context (GRCh38, chr15:90,767,009, plus strand): 5'-GAAGCTACAAATATTTACCTCCAGTTATCAAAAAAAGACCCAATCATAAAACTTCTATAT[G>A]TCACTCCAGAAAAGGTTTGTATTTATATCATTATTTTAAAATATATTAAAGACCACTAGA-3'
Protein context (NP_000048.1, residues 755-775): KKDPIIKLLY[Val765Ile]TPEKICASNR

ClinVar aggregate classification (germline): Conflicting classifications of pathogenicity. Review status: criteria provided, conflicting classifications (1 of 4 stars). 8 submissions from 8 submitters: Uncertain significance (3); Likely benign (4). 1 of the submissions does not count toward it. Last evaluated 2026-01-27.

Conditions:
Hereditary cancer-predisposing syndrome. Also called: Hereditary neoplastic syndrome; Neoplastic Syndromes, Hereditary; Hereditary Cancer Syndrome; Tumor predisposition. Identifiers: Orphanet 140162, MedGen C0027672, MeSH D009386, MONDO:0015356.
Hereditary breast ovarian cancer syndrome. Also called: Hereditary breast and/or ovarian cancer syndrome; Hereditary breast and ovarian cancer; Hereditary breast and ovarian cancer syndrome; Hereditary breast and ovarian cancer syndrome (HBOC); Breast and ovarian cancer; BRCA1- and BRCA2-Associated Hereditary Breast and Ovarian Cancer. Identifiers: Orphanet 145, MedGen C0677776, MeSH D061325, MONDO:0003582. Disease mechanism: loss of function.
Bloom syndrome (BLM). Also called: Bloom-Torre-Machacek syndrome. Identifiers: Orphanet 125, MedGen C0005859, MONDO:0008876, OMIM 210900.

Allele frequency attached by ClinVar (database versions not stated): gnomAD 0.00009 and 0.00011; gnomAD exomes 0.00009 and 0.00035; 1000 Genomes Project 30x 0.00016; TOPMed 0.00017; 1000 Genomes Project 0.00020; ExAC 0.00034.
gnomAD v4.1: 151 of 1,550,928 alleles (0.0097%); highest among the groups gnomAD compares: East Asian, 0.22%; no homozygotes.

Submissions (8):

Labcorp Genetics (formerly Invitae), Labcorp
Classification: Likely benign for Bloom syndrome. Last evaluated: 2026-01-27. Review status: criteria provided, single submitter. Criteria: Invitae Variant Classification Sherloc (09022015). Collection method: clinical testing. Allele origin: germline.

Quest Diagnostics Nichols Institute San Juan Capistrano
Classification: Likely benign. Last evaluated: 2023-09-12. Review status: criteria provided, single submitter. Criteria: Quest Diagnostics criteria. Collection method: clinical testing. Allele origin: unknown.

Sema4
Classification: Uncertain significance for Hereditary cancer-predisposing syndrome. Last evaluated: 2021-07-29. Review status: criteria provided, single submitter. Criteria: Sema4 Curation Guidelines. Collection method: curation. Allele origin: germline.
Comment: The BLM c.2293G>A (p.V765I) variant has been reported in 7 individuals with lung cancer and 1 healthy control in a case-control study (PMID 32107087). This variant was observed in 72/18668 chromosomes in the East Asian population, according to the Genome Aggregation Database (PMID: 32461654). This variant has been reported in ClinVar (Variation ID 454099). Functional studies have not been performed and in silico tool predictions of the variants effect on protein function are inconclusive. The overall evidence is insufficient to meet ACMG/AMP criteria for classifying it as benign or pathogenic. In summary, the clinical significance of this variant is currently uncertain.

Ambry Genetics
Classification: Likely benign for Hereditary cancer-predisposing syndrome. Last evaluated: 2021-04-13. Review status: criteria provided, single submitter. Criteria: Ambry Variant Classification Scheme 2023. Collection method: clinical testing. Allele origin: germline.

Cancer Genomics Group, Japanese Foundation For Cancer Research
Classification: Uncertain significance for Hereditary breast and ovarian cancer syndrome. Last evaluated: 2019-05-01. Review status: criteria provided, single submitter. Criteria: ACMG Guidelines, 2015. Collection method: research. Allele origin: germline. Affected: yes.

CeGaT Center for Human Genetics Tuebingen
Classification: Uncertain significance. Last evaluated: 2018-04-01. Review status: criteria provided, single submitter. Criteria: CeGaT Center For Human Genetics Tuebingen Variant Classification Criteria Version 2. Collection method: clinical testing. Allele origin: germline. Affected: yes. Observed: 1 variant allele.

Illumina Laboratory Services, Illumina
Classification: Likely benign for Bloom syndrome. Last evaluated: 2018-01-12. Review status: criteria provided, single submitter. Criteria: ICSL Variant Classification Criteria 13 December 2019. Collection method: clinical testing. Allele origin: germline.
Comment: This variant was observed in the ICSL laboratory as part of a predisposition screen in an ostensibly healthy population. It had not been previously curated by ICSL or reported in the Human Gene Mutation Database (HGMD: prior to June 1st, 2018), and was therefore a candidate for classification through an automated scoring system. Utilizing variant allele frequency, disease prevalence and penetrance estimates, and inheritance mode, an automated score was calculated to assess if this variant is too frequent to cause the disease. Based on the score and internal cut-off values, a variant classified as likely benign is not then subjected to further curation. The score for this variant resulted in a classification of likely benign for this disease.

Natera, Inc.
Classification: Likely benign for Bloom syndrome. Last evaluated: 2020-06-23. Review status: no assertion criteria provided. Collection method: clinical testing. Allele origin: germline. Not counted in ClinVar's aggregate classification.

Literature cited by the submitters: PubMed 29641532 (cited by Quest Diagnostics Nichols Institute San Juan Capistrano and Ambry Genetics); PubMed 23960188 (cited by Quest Diagnostics Nichols Institute San Juan Capistrano and Ambry Genetics); PubMed 32107087 (cited by Quest Diagnostics Nichols Institute San Juan Capistrano and Sema4).